The following is an entry in ClinVar:

ClinVar aggregate classification (germline): Benign. Review status: criteria provided, multiple submitters, no conflicts (2 of 4 stars). 4 submissions from 4 submitters: Benign (4). Last evaluated 2025-10-16.

Conditions:
TBC1D24-related disorder. Also called: TBC1D24-related condition; TBC1D24-related disorders. Identifiers: MedGen CN381194.
Developmental and epileptic encephalopathy, 1 (DEE1). Also called: Epileptic encephalopathy, early infantile, 1; X-linked infantile spasms; West's syndrome; Tonic spasms with clustering, arrest of psychomotor development and hypsarrhythmia on EEG; X-Linked Infantile Spasm Syndrome; OHTAHARA SYNDROME, X-LINKED. Identifiers: MedGen C3463992, MONDO:0010632, OMIM 308350. Disease mechanism: loss of function.
Autosomal dominant nonsyndromic hearing loss 65. Also called: Deafness, autosomal dominant 65; TBC1D24-Related Autosomal Dominant Nonsyndromic Hearing Loss (DFNA). Identifiers: Orphanet 90635, MedGen C3892048, MONDO:0014470, OMIM 616044.
Inborn genetic diseases. Identifiers: MedGen C0950123, MeSH D030342.

Allele frequency attached by ClinVar (database versions not stated): TOPMed 0.00008; gnomAD exomes 0.00043 and 0.00110; 1000 Genomes Project 30x 0.00047; ExAC 0.00096; gnomAD 0.00102 and 0.00109.
gnomAD v4.1: 774 of 1,614,020 alleles (0.048%); highest among the groups gnomAD compares: Non-Finnish European, 0.0097%; 4 homozygotes.

Submissions (4):

PreventionGenetics, part of Exact Sciences
Classification: Benign for TBC1D24-related condition. Last evaluated: 2025-10-16. Review status: criteria provided, single submitter. Criteria: ACMG Guidelines, 2015. Collection method: clinical testing. Allele origin: germline.
Comment: This variant is classified as benign based on ACMG/AMP sequence variant interpretation guidelines (Richards et al. 2015 PMID: 25741868, with internal and published modifications).

Labcorp Genetics (formerly Invitae), Labcorp
Classification: Benign for Developmental and epileptic encephalopathy, 1; Autosomal dominant nonsyndromic hearing loss 65. Last evaluated: 2025-04-13. Review status: criteria provided, single submitter. Criteria: Invitae Variant Classification Sherloc (09022015). Collection method: clinical testing. Allele origin: germline.

Ambry Genetics
Classification: Benign for Inborn genetic diseases. Last evaluated: 2018-02-13. Review status: criteria provided, single submitter. Criteria: Ambry Variant Classification Scheme 2023. Collection method: clinical testing. Allele origin: germline.

GeneDx
Classification: Benign. Last evaluated: 2013-11-12. Review status: criteria provided, single submitter. Criteria: GeneDx Variant Classification (06012015). Collection method: clinical testing. Allele origin: germline. Affected: yes.
Comment: This variant is considered likely benign or benign based on one or more of the following criteria: it is a conservative change, it occurs at a poorly conserved position in the protein, it is predicted to be benign by multiple in silico algorithms, and/or has population frequency not consistent with disease.

NM_001199107.2(TBC1D24):c.657G>A (p.Glu219=)

Gene: TBC1D24 (TBC1 domain family member 24; plus strand). Cytogenetic location: 16p13.3.
Variant type: single nucleotide variant.
Coding change: c.657G>A on transcript NM_001199107.2 (MANE Select); coding-DNA position 657, G replaced by A.
Protein change: p.Glu219=; no amino-acid change (glutamic acid 219 retained).
Molecular consequence: synonymous variant.
Genome position (GRCh38, 1-based): chr16:2,496,805, G>A. VCF-style: chr16-2496805-G-A. GRCh37 (hg19) VCF-style: chr16-2546806-G-A.
Other names: p.E219E:GAG>GAA; c.657G>A, p.Glu219= (NM_020705.3).
Identifiers: ClinVar variation 139395 (VCV000139395.15), dbSNP rs587781187, ClinGen allele CA293863.